The following is an entry in ClinVar:

ClinVar aggregate classification (germline): drug response. Review status: reviewed by expert panel (3 of 4 stars). 2 submissions from 2 submitters: drug response (1). 1 of the submissions does not count toward it. Last evaluated 2021-03-24.

Conditions:
Gilbert syndrome. Also called: HYPERBILIRUBINEMIA, GILBERT TYPE; Gilbert Disease; Gilbert's syndrome; HYPERBILIRUBINEMIA I; HYPERBILIRUBINEMIA, ARIAS TYPE. Identifiers: MedGen C0017551, MONDO:0007745, OMIM 143500.
irinotecan response - Toxicity.

Allele frequency attached by ClinVar (database versions not stated): TOPMed 0.29202; gnomAD 0.29868 and 0.29937; 1000 Genomes Project 0.30212; 1000 Genomes Project 30x 0.30262.
gnomAD v4.1: 45,076 of 150,450 alleles (30%); highest among the groups gnomAD compares: South Asian, 39%; 6,849 homozygotes.

Submissions (2):

ClinPGx
Classification: drug response for irinotecan response - Toxicity. Last evaluated: 2021-03-24. Review status: reviewed by expert panel. Criteria: Pharmacogenomics knowledge for personalized medicine. Collection method: curation. Allele origin: germline. Affected: yes.
Comment: PharmGKB Level of Evidence 2A: Variants in Level 2A clinical annotations are found in PharmGKB’s Tier 1 Very Important Pharmacogenes (VIPs). These variants are in known pharmacogenes, implying causation of drug phenotype is more likely. These clinical annotations describe variant-drug combinations with a moderate level of evidence supporting the association. For example, the association may be found in multiple cohorts, but there may be a minority of studies that do not support the majority assertion. Level 2A clinical annotations must be supported by at least two independent publications.

Drug is not necessarily used to treat response condition

Difficult and Complicated Liver Diseases and Artificial Liver Center, Beijing You An Hospital, Capital Medical University
Classification: Likely benign for Gilbert syndrome. Last evaluated: 2019-05-01. Review status: no assertion criteria provided. Collection method: case-control. Allele origin: inherited. Affected: yes. Observed: 163 variant alleles. Not counted in ClinVar's aggregate classification.

Literature cited by the submitters: PubMed 15007088 (cited by ClinPGx); PubMed 17510208 (cited by ClinPGx); PubMed 19450125 (cited by ClinPGx); PubMed 20530282 (cited by ClinPGx); PubMed 23386248 (cited by ClinPGx); PubMed 25869015 (cited by ClinPGx); PubMed 27845419 (cited by ClinPGx).

NC_000002.12:g.233757136G>A

Genes: UGT1A7 (UDP glucuronosyltransferase family 1 member A7; plus strand), UGT1A10 (UDP glucuronosyltransferase family 1 member A10; plus strand), UGT1A3 (UDP glucuronosyltransferase family 1 member A3; plus strand), UGT1A (UDP glucuronosyltransferase family 1 member A complex locus; plus strand), UGT1A4 (UDP glucuronosyltransferase family 1 member A4; plus strand) and 5 more. Cytogenetic location: 2q37.1.
Variant type: single nucleotide variant.
Molecular consequence: intron variant (on NM_019076.5).
Genome position: GRCh38 VCF-style: chr2-233757136-G-A. GRCh37 (hg19) VCF-style: chr2-234665782-G-A.
Other names: c.856-9898G>A (NM_019076.5, NM_019075.4, NM_021027.3 and 1 more transcripts); c.61-9898G>A (NM_205862.3); c.862-9898G>A (NM_001072.4); c.868-9898G>A (NM_019078.2, NM_007120.3, NM_019093.4).
Identifiers: ClinVar variation 810732 (VCV000810732.4), dbSNP rs10929302, ClinGen allele CA15200202.
Genomic context (GRCh38, chr2:233,757,136, plus strand): 5'-TAGAGGGTAAGAGGCAGAGGGAGGGGGCAAGCAGAAGGGCTAGAGAGGAGGAATGAGCTT[G>A]GACAGGTGGGCTGGGGTCTATCCCAGAGTTTTGAGAGCAAGGCAGAGGACTCTGAATTTT-3'